The following is an entry in ClinVar:

ClinVar aggregate classification (germline): Pathogenic. Review status: criteria provided, multiple submitters, no conflicts (2 of 4 stars). 3 submissions from 3 submitters: Pathogenic (2). 1 of the submissions does not count toward it. Last evaluated 2023-05-22.

Conditions:
GM1 gangliosidosis type 3. Also called: GANGLIOSIDOSIS, GENERALIZED GM1, ADULT TYPE; GANGLIOSIDOSIS, GENERALIZED GM1, CHRONIC TYPE; GANGLIOSIDOSIS, GENERALIZED GM1, TYPE III; GM1-GANGLIOSIDOSIS, TYPE III; Beta-galactosidase deficiency; Adult GM1 gangliosidosis. Identifiers: Orphanet 79257, MedGen C0268273, MONDO:0009262, OMIM 230650.
GM1 gangliosidosis type 2. Also called: GANGLIOSIDOSIS, GENERALIZED GM1, JUVENILE TYPE; GANGLIOSIDOSIS, GENERALIZED GM1, TYPE II; GM1-GANGLIOSIDOSIS, TYPE II; Juvenile GM>1< gangliosidosis; Gangliosidosis, Generalized GM1, Type 2. Identifiers: Orphanet 354, Orphanet 79256, MedGen C0268272, MONDO:0009261, OMIM 230600.
Infantile GM1 gangliosidosis. Also called: GM1 gangliosidosis type 1; GM1-gangliosidosis, type I; Gangliosidosis, generalized GM1, infantile form; GLB1 deficiency; Gangliosidosis, Generalized GM1, Type 1. Identifiers: Orphanet 354, Orphanet 79255, MedGen C0268271, MONDO:0009260, OMIM 230500.
Mucopolysaccharidosis, MPS-IV-B (MPS4B). Also called: Mucopolysaccharidosis type 4B; Mucopolysaccharidosis Type IVB (Morquio B Disease); MORQUIO SYNDROME B; Mucopolysaccharidosis type IVB (Morquio); MPS IVB; Mucopolysaccharidosis type IV B. Identifiers: Orphanet 309310, Orphanet 582, MedGen C0086652, MONDO:0009660, OMIM 253010.
GM1 gangliosidosis. Identifiers: Orphanet 354, MedGen C0085131, MONDO:0018149.

Allele frequency attached by ClinVar (database versions not stated): TOPMed below 0.00001; gnomAD 0.00001; gnomAD exomes 0.00001.
gnomAD v4.1: 10 of 1,613,636 alleles (0.00062%); highest among the groups gnomAD compares: Non-Finnish European, 0.00085%; no homozygotes.

Submissions (3):

Labcorp Genetics (formerly Invitae), Labcorp
Classification: Pathogenic for Mucopolysaccharidosis, MPS-IV-B; GM1 gangliosidosis. Last evaluated: 2023-05-22. Review status: criteria provided, single submitter. Criteria: Invitae Variant Classification Sherloc (09022015). Collection method: clinical testing. Allele origin: germline.
Comment: This variant is not present in population databases (gnomAD no frequency). This sequence change affects a donor splice site in intron 14 of the GLB1 gene. It is expected to disrupt RNA splicing. Variants that disrupt the donor or acceptor splice site typically lead to a loss of protein function (PMID: 16199547), and loss-of-function variants in GLB1 are known to be pathogenic (PMID: 18524657). Disruption of this splice site has been observed in individual(s) with GM1 gangliosidosis (PMID: 16941474). For these reasons, this variant has been classified as Pathogenic. Algorithms developed to predict the effect of sequence changes on RNA splicing suggest that this variant may disrupt the consensus splice site. ClinVar contains an entry for this variant (Variation ID: 557669).

Eurofins Ntd Llc (ga)
Classification: Pathogenic. Last evaluated: 2018-01-15. Review status: criteria provided, single submitter. Criteria: EGL Classification Definitions 2015. Collection method: clinical testing. Allele origin: germline. Observed: 1 variant allele, 1 heterozygote.

Counsyl
Classification: Likely pathogenic for Infantile GM1 gangliosidosis; GM1 gangliosidosis type 2; GM1 gangliosidosis type 3; Mucopolysaccharidosis, MPS-IV-B. Last evaluated: 2018-04-05. Review status: no assertion criteria provided. Collection method: clinical testing. Allele origin: unknown. Not counted in ClinVar's aggregate classification.

Literature cited by the submitters: PubMed 16199547 (cited by Labcorp Genetics (formerly Invitae), Labcorp); PubMed 18524657 (cited by Labcorp Genetics (formerly Invitae), Labcorp); PubMed 16941474 (cited by Labcorp Genetics (formerly Invitae), Labcorp).

NM_000404.4(GLB1):c.1479+1G>A

Gene: GLB1 (galactosidase beta 1; minus strand). Cytogenetic location: 3p22.3.
Variant type: single nucleotide variant.
Coding change: c.1479+1G>A on transcript NM_000404.4 (MANE Select); the canonical splice donor site of the intron after coding-DNA position 1479, G replaced by A.
Molecular consequence: splice donor variant.
Genome position (GRCh38, 1-based): chr3:33,016,708, C>T on the plus strand (G>A on the coding strand, the complement: GLB1 is on the minus strand). VCF-style: chr3-33016708-C-T. GRCh37 (hg19) VCF-style: chr3-33058200-C-T.
Other names: c.1479+1G>A (NM_001393580.1); c.1086+1G>A (NM_001135602.3); c.1623+1G>A (NM_001317040.2); c.1389+1G>A (NM_001079811.3).
Identifiers: ClinVar variation 557669 (VCV000557669.11), dbSNP rs1022476871, ClinGen allele CA72648572.
Genomic context (GRCh38, chr3:33,016,708, plus strand): 5'-GGCTTCAACTTCTAAGTTGTCACCCCTTAAACCTTAGTCTTGACAGTGTGGTTTGTCCTA[C>T]CTTAAAATCGTTGATATATGCACCATAGTTCACACGTCCCATGTTCTCTACCAGAAGGTC-3'